The following is an entry in ClinVar:

NM_000053.4(ATP7B):c.3266G>A (p.Gly1089Glu)

Gene: ATP7B (ATPase copper transporting beta; minus strand). Cytogenetic location: 13q14.3.
Variant type: single nucleotide variant.
Coding change: c.3266G>A on transcript NM_000053.4 (MANE Select); coding-DNA position 3266, G replaced by A.
Protein change: p.Gly1089Glu; replaces glycine 1089 with glutamic acid.
Molecular consequence: missense variant.
Genome position (GRCh38, 1-based): chr13:51,942,532, C>T on the plus strand (G>A on the coding strand, the complement: ATP7B is on the minus strand). VCF-style: chr13-51942532-C-T. GRCh37 (hg19) VCF-style: chr13-52516668-C-T.
Other names: c.2645G>A, p.Gly882Glu (NM_001005918.3); c.2933G>A, p.Gly978Glu (NM_001243182.2); c.3032G>A, p.Gly1011Glu (NM_001330578.2); c.3014G>A, p.Gly1005Glu (NM_001330579.2); short protein forms G1089E, G1011E, G978E, G1005E, G882E.
Identifiers: ClinVar variation 554311 (VCV000554311.10), dbSNP rs1555285911, ClinGen allele CA388028869.

ClinVar aggregate classification (germline): Likely pathogenic. Review status: criteria provided, multiple submitters, no conflicts (2 of 4 stars). 5 submissions from 5 submitters: Likely pathogenic (4). 1 of the submissions does not count toward it. Last evaluated 2025-12-11.

Conditions:
Wilson disease (WND). Also called: Wilson's disease. Identifiers: Orphanet 905, MedGen C0019202, MONDO:0010200, OMIM 277900. Disease mechanism: loss of function.

Submissions (5):

Natera, Inc.
Classification: Likely pathogenic for Wilson disease. Last evaluated: 2025-12-11. Review status: criteria provided, single submitter. Criteria: Natera Variant Classification Schema (03/2026). Collection method: clinical testing. Allele origin: germline.
Comment: The c.3266G>A variant in ATP7B is a missense variant predicted to cause substitution of glycine to glutamic acid at amino acid 1089. This variant is rare in the general population with a frequency below the threshold expected for the associated phenotype(s). This variant has been observed in one or more individuals affected with the associated recessive disease, as either homozygous or compound heterozygous with a second variant (PMID: 23518715, 41225982). Additionally, this variant has been observed to segregate in affected family members (PMID: 41225982). Computational prediction algorithms indicate this variant is likely to affect gene or protein function. Given the available evidence, this variant is classified as Likely Pathogenic.

Fulgent Genetics
Classification: Likely pathogenic for Wilson disease. Last evaluated: 2024-04-29. Review status: criteria provided, single submitter. Criteria: ACMG Guidelines, 2015. Collection method: clinical testing. Allele origin: germline.

Women's Health and Genetics/Laboratory Corporation of America, LabCorp
Classification: Likely pathogenic for Wilson disease. Last evaluated: 2024-04-12. Review status: criteria provided, single submitter. Criteria: LabCorp Variant Classification Summary - May 2015. Collection method: clinical testing. Allele origin: germline.
Comment: Variant summary: ATP7B c.3266G>A (p.Gly1089Glu) results in a non-conservative amino acid change located in the P-type ATPase, haloacid dehalogenase domain (IPR044492) of the encoded protein sequence. Four of five in-silico tools predict a damaging effect of the variant on protein function. The variant was absent in 249552 control chromosomes. c.3266G>A has been reported in the literature as a biallelic homozygous or compound heterozygous genotype in individuals affected with Wilson Disease (example, Loudianos_1999, Coffey_2013, Collins_2021). These data indicate that the variant is likely to be associated with disease. To our knowledge, no experimental evidence demonstrating an impact on protein function has been reported. The following publications have been ascertained in the context of this evaluation (PMID: 23518715, 33640437, 10544227, 27992490). ClinVar contains an entry for this variant (Variation ID: 554311). Based on the evidence outlined above, the variant was classified as likely pathogenic.

Labcorp Genetics (formerly Invitae), Labcorp
Classification: Likely pathogenic for Wilson disease. Last evaluated: 2023-10-03. Review status: criteria provided, single submitter. Criteria: Invitae Variant Classification Sherloc (09022015). Collection method: clinical testing. Allele origin: germline.
Comment: This sequence change replaces glycine, which is neutral and non-polar, with glutamic acid, which is acidic and polar, at codon 1089 of the ATP7B protein (p.Gly1089Glu). This variant is not present in population databases (gnomAD no frequency). This missense change has been observed in individual(s) with Wilson disease (PMID: 10544227, 23518715). ClinVar contains an entry for this variant (Variation ID: 554311). Advanced modeling of protein sequence and biophysical properties (such as structural, functional, and spatial information, amino acid conservation, physicochemical variation, residue mobility, and thermodynamic stability) performed at Invitae indicates that this missense variant is expected to disrupt ATP7B protein function. This variant disrupts the p.Gly1089 amino acid residue in ATP7B. Other variant(s) that disrupt this residue have been observed in individuals with ATP7B-related conditions (PMID: 23518715, 34324271), which suggests that this may be a clinically significant amino acid residue. In summary, the currently available evidence indicates that the variant is pathogenic, but additional data are needed to prove that conclusively. Therefore, this variant has been classified as Likely Pathogenic.

Counsyl
Classification: Uncertain significance for Wilson disease. Last evaluated: 2017-10-16. Review status: no assertion criteria provided. Collection method: clinical testing. Allele origin: unknown. Not counted in ClinVar's aggregate classification.

Literature cited by the submitters: PubMed 23518715 (cited by 4 submitters); PubMed 41225982 (cited by Natera, Inc.); PubMed 10544227 (cited by 3 submitters); PubMed 27992490 (cited by Women's Health and Genetics/Laboratory Corporation of America, LabCorp and Counsyl); PubMed 33640437 (cited by Women's Health and Genetics/Laboratory Corporation of America, LabCorp); PubMed 34324271 (cited by Labcorp Genetics (formerly Invitae), Labcorp).